The following is an entry in ClinVar:

ClinVar aggregate classification (germline): Uncertain significance (1 of 4 stars; one submission).

Conditions:
Muscular dystrophy. Identifiers: Orphanet 98473, MedGen C0026850, MeSH D009136, MONDO:0020121, HP:0003560.

Submission:

Broad Center for Mendelian Genomics, Broad Institute of MIT and Harvard
Classification: Uncertain significance for Muscular dystrophy. Last evaluated: 2026-03-04. Review status: criteria provided, single submitter. Criteria: ACMG Guidelines, 2015. Collection method: research. Allele origin: germline. Inheritance: Autosomal dominant inheritance. Study: GREGoR Consortium.
Comment: The p.Arg224Pro variant in PSMB4 has been identified in 3 individuals with limb girdle muscular dystrophy in the Broad Institute Center for Mendelian Genomics cohort, including at least 2 confirmed de novo occurrences. It was absent from large population studies. Computational prediction tools and conservation analyses do not provide strong support for or against an impact to the protein. Furthermore, the PSMB4 gene currently has limited evidence for an association with muscular dystrophy. In summary, the clinical significance of this variant is uncertain.

NM_002796.3(PSMB4):c.671G>C (p.Arg224Pro)

Gene: PSMB4 (proteasome 20S subunit beta 4; plus strand). Cytogenetic location: 1q21.3.
Variant type: single nucleotide variant.
Coding change: c.671G>C on transcript NM_002796.3 (MANE Select); coding-DNA position 671, G replaced by C.
Protein change: p.Arg224Pro; replaces arginine 224 with proline.
Molecular consequence: missense variant.
Genome position (GRCh38, 1-based): chr1:151,401,333, G>C. VCF-style: chr1-151401333-G-C. GRCh37 (hg19) VCF-style: chr1-151373809-G-C.
Other names: NM_002796.3:c.671G>C; short protein forms R224P.
Identifiers: ClinVar variation 4819570 (VCV004819570.1).